The following is an entry in ClinVar:

NM_002088.5(GRIK5):c.2706G>T (p.Ala902=)

Gene: GRIK5 (glutamate ionotropic receptor kainate type subunit 5; minus strand). Cytogenetic location: 19q13.2.
Variant type: single nucleotide variant.
Coding change: c.2706G>T on transcript NM_002088.5 (MANE Select); coding-DNA position 2706, G replaced by T.
Protein change: p.Ala902=; no amino-acid change (alanine 902 retained).
Molecular consequence: synonymous variant.
Genome position (GRCh38, 1-based): chr19:41,999,108, C>A on the plus strand (G>T on the coding strand, the complement: GRIK5 is on the minus strand). VCF-style: chr19-41999108-C-A. GRCh37 (hg19) VCF-style: chr19-42503260-C-A.
Identifiers: ClinVar variation 2649936 (VCV002649936.24), dbSNP rs782424418, ClinGen allele CA507695903.

ClinVar aggregate classification (germline): Likely benign (1 of 4 stars; one submission).

Allele frequency attached by ClinVar (database versions not stated): gnomAD 0.00001; TOPMed 0.00001.
gnomAD v4.1: 3 of 1,370,160 alleles (0.00022%); highest among the groups gnomAD compares: Non-Finnish European, 0.00028%; no homozygotes.

Submission:

CeGaT Center for Human Genetics Tuebingen
Classification: Likely benign. Last evaluated: 2022-03-01. Review status: criteria provided, single submitter. Criteria: CeGaT Center For Human Genetics Tuebingen Variant Classification Criteria Version 2. Collection method: clinical testing. Allele origin: germline. Affected: yes. Observed: 1 variant allele.
Comment: GRIK5: BP4, BP7